The following is an entry in ClinVar:

ClinVar aggregate classification (germline): Likely benign. Review status: criteria provided, multiple submitters, no conflicts (2 of 4 stars). 5 submissions from 5 submitters: Likely benign (2). 3 of the submissions do not count toward it. Last evaluated 2026-01-21.

Conditions:
CTNS-related disorder. Also called: CTNS-related condition.
Inborn genetic diseases. Identifiers: MedGen C0950123, MeSH D030342.
Ocular cystinosis. Also called: Non-Nephropathic Cystinosis; Non-Nephropathic (Ocular) Cystinosis. Identifiers: Orphanet 213, Orphanet 411641, MedGen C2931013, MONDO:0009064, OMIM 219750.
Juvenile nephropathic cystinosis. Also called: Intermediate Cystinosis; CYSTINOSIS, LATE-ONSET JUVENILE OR ADOLESCENT NEPHROPATHIC TYPE; Later-Onset (Juvenile) Cystinosis. Identifiers: Orphanet 213, Orphanet 411634, MedGen C0268626, MONDO:0009066, OMIM 219900.
Cystinosis. Also called: Cystine diathesis; Cystine storage disease; Cystinoses. Identifiers: Orphanet 213, MedGen C4316899, MONDO:0016239.

Allele frequency attached by ClinVar (database versions not stated): gnomAD exomes 0.00029; ExAC 0.00039; gnomAD 0.00103 and 0.00116; TOPMed 0.00130; ESP Exome Variant Server 0.00146.
gnomAD v4.1: 320 of 1,608,374 alleles (0.02%); highest among the groups gnomAD compares: African/African-American, 0.34%; 1 homozygote.

Submissions (5):

Labcorp Genetics (formerly Invitae), Labcorp
Classification: Likely benign for Inborn genetic diseases; Ocular cystinosis; Juvenile nephropathic cystinosis. Last evaluated: 2026-01-21. Review status: criteria provided, single submitter. Criteria: Invitae Variant Classification Sherloc (09022015). Collection method: clinical testing. Allele origin: germline.

Ambry Genetics
Classification: Likely benign for Inborn genetic diseases. Last evaluated: 2025-03-25. Review status: criteria provided, single submitter. Criteria: Ambry Variant Classification Scheme 2023. Collection method: clinical testing. Allele origin: germline.

PreventionGenetics, part of Exact Sciences
Classification: Likely benign for CTNS-related condition. Last evaluated: 2022-04-18. Review status: no assertion criteria provided. Collection method: clinical testing. Allele origin: germline. Not counted in ClinVar's aggregate classification.
Comment: This variant is classified as likely benign based on ACMG/AMP sequence variant interpretation guidelines (Richards et al. 2015 PMID: 25741868, with internal and published modifications).

Natera, Inc.
Classification: Likely benign for Cystinosis. Last evaluated: 2020-04-19. Review status: no assertion criteria provided. Collection method: clinical testing. Allele origin: germline. Not counted in ClinVar's aggregate classification.

Department of Pathology and Laboratory Medicine, Sinai Health System
Classification: Uncertain significance. Review status: no assertion criteria provided. Collection method: clinical testing. Allele origin: unknown. Affected: yes. Study: The Canadian Open Genetics Repository (COGR). Not counted in ClinVar's aggregate classification.
Comment: The CTNS p.D74N variant was not identified in the literature but was identified in dbSNP (ID: rs139364393) and ClinVar (classified as likely benign by Invitae for Juvenile nephropathic cystinosis, Nephropathic cystinosis and Ocular cystinosis). The variant was identified in control databases in 107 of 282810 chromosomes at a frequency of 0.0003783, and was observed at the highest frequency in the African population in 87 of 24960 chromosomes (freq: 0.003486) (Genome Aggregation Database March 6, 2019, v2.1.1). The p.D74 residue is not conserved in mammals and computational analyses (MUT Assesor, PolyPhen-2, SIFT, MutationTaster, Revel, FATHMM, MetaLR, DANN) provide inconsistent predictions regarding the impact to the protein; this information is not very predictive of pathogenicity. The variant occurs outside of the splicing consensus sequence and in silico or computational prediction software programs (Splice AI exome) do not predict a difference in splicing. In summary, based on the above information the clinical significance of this variant cannot be determined with certainty at this time. This variant is classified as a variant of uncertain significance.

NM_004937.3(CTNS):c.220G>A (p.Asp74Asn)

Gene: CTNS (cystinosin, lysosomal cystine transporter; plus strand). Cytogenetic location: 17p13.2.
Variant type: single nucleotide variant.
Coding change: c.220G>A on transcript NM_004937.3 (MANE Select); coding-DNA position 220, G replaced by A.
Protein change: p.Asp74Asn; replaces aspartic acid 74 with asparagine.
Molecular consequence: missense variant. On other transcripts: 5 prime UTR variant (1), intron variant (3).
Genome position (GRCh38, 1-based): chr17:3,648,926, G>A. VCF-style: chr17-3648926-G-A. GRCh37 (hg19) VCF-style: chr17-3552220-G-A.
Other names: c.220G>A, p.Asp74Asn (NM_001031681.3, NM_001374492.1); c.-222G>A (NM_001374494.1); c.-217+1404G>A (NM_001374493.1, NM_001374496.1); c.-216-6072G>A (NM_001374495.1); c.220G>A (NM_001031681.2); short protein forms D74N.
Identifiers: ClinVar variation 786643 (VCV000786643.18), dbSNP rs139364393, ClinGen allele CA8291603.